The following is an entry in ClinVar:

ClinVar aggregate classification (germline): Pathogenic (1 of 4 stars; one submission).

Conditions:
Epilepsy. Also called: Seizure disorder. Identifiers: MedGen C0014544, MeSH D004827, MONDO:0005027.

Submission:

Labcorp Genetics (formerly Invitae), Labcorp
Classification: Pathogenic for Epilepsy. Last evaluated: 2025-12-21. Review status: criteria provided, single submitter. Criteria: Invitae Variant Classification Sherloc (09022015). Collection method: clinical testing. Allele origin: germline.
Comment: This sequence change creates a premature translational stop signal (p.Leu334Serfs*3) in the PIGQ gene. It is expected to result in an absent or disrupted protein product. Loss-of-function variants in PIGQ are known to be pathogenic (PMID: 24463883, 25558065). This variant is present in population databases (no rsID available, gnomAD 0.006%). This variant has not been reported in the literature in individuals affected with PIGQ-related conditions. For these reasons, this variant has been classified as Pathogenic.

Literature cited by the submitters: PubMed 24463883; PubMed 25558065.

NM_004204.5(PIGQ):c.999del (p.Leu334fs)

Gene: PIGQ (phosphatidylinositol glycan anchor biosynthesis class Q; plus strand). Cytogenetic location: 16p13.3.
Variant type: Deletion.
Coding change: c.999del on transcript NM_004204.5 (MANE Select); coding-DNA position 999, one base deleted (G; older notation c.999delG).
Protein change: p.Leu334fs; shifts the reading frame from leucine 334.
Molecular consequence: frameshift variant.
Genome position (GRCh38, 1-based): chr16:578,435, G deleted; the last of 3 consecutive G bases (chr16:578,433-578,435); deleting any one gives the same sequence. VCF-style (leftmost placement, unchanged base first): chr16-578432-CG-C. GRCh37 (hg19) VCF-style: chr16-628432-CG-C.
Other names: c.999del, p.Leu334fs (NM_148920.4); short protein forms L334fs.
Identifiers: ClinVar variation 4733752 (VCV004733752.1).
Genomic context (GRCh38, chr16:578,432, plus strand): 5'-CCTGCAGCACGTGGCCGAGGAGCTCCAGCATCTGCTGCAGTGGCTGATGGGTGCTCCCGC[CG>C]GGCTCAAGATGAACCGTGCACTGGACCAGGTGCTGGGCCGCTTCTTCCTCTACCACATCC-3'